The following is an entry in ClinVar:

NM_006231.4(POLE):c.3369del (p.Asp1123fs)

Gene: POLE (DNA polymerase epsilon, catalytic subunit; minus strand). Cytogenetic location: 12q24.33.
Variant type: Deletion.
Coding change: c.3369del on transcript NM_006231.4 (MANE Select); coding-DNA position 3369, one base deleted (T; older notation c.3369delT).
Protein change: p.Asp1123fs; shifts the reading frame from aspartic acid 1123.
Molecular consequence: frameshift variant.
Genome position (GRCh38, 1-based): chr12:132,657,877, A deleted on the plus strand (T on the coding strand, the reverse complement: POLE is on the minus strand). VCF-style (leftmost placement, unchanged base first): chr12-132657876-TA-T. GRCh37 (hg19) VCF-style: chr12-133234462-TA-T.
Other names: short protein forms D1123fs.
Identifiers: ClinVar variation 5027129 (VCV005027129.1).
Genomic context (GRCh38, chr12:132,657,876, plus strand): 5'-GTCTAGCTTTCCTTGTAAACTTTTAAGAGTAGAGAACGCAACTGGCACTCACTGCTCGAA[TA>T]TCAAAGTCTTGAAGGGAAGAGCTCTTGAGCCATTTCCGGAGAAAGTGCTTCCTCACCGTG-3'

ClinVar aggregate classification (germline): Uncertain significance (1 of 4 stars; one submission).

Conditions:
Hereditary cancer-predisposing syndrome. Also called: Neoplastic Syndromes, Hereditary; Tumor predisposition; Hereditary neoplastic syndrome; Hereditary Cancer Syndrome. Identifiers: Orphanet 140162, MedGen C0027672, MeSH D009386, MONDO:0015356.

Submission:

Ambry Genetics
Classification: Uncertain significance for Hereditary cancer-predisposing syndrome. Last evaluated: 2026-09-10. Review status: criteria provided, single submitter. Criteria: Ambry Variant Classification Scheme 2023. Collection method: clinical testing. Allele origin: germline.
Comment: The c.3369delT variant, located in coding exon 27 of the POLE gene, results from a deletion of one nucleotide at nucleotide position 3369, causing a translational frameshift with a predicted alternate stop codon (p.D1123Efs*32). This alteration is expected to result in loss of function by premature protein truncation or nonsense-mediated mRNA decay. Although biallelic loss of function of POLE has been associated with autosomal recessive POLE deficiency, haploinsufficiency of POLE has not been established as a mechanism of disease for POLE-related polymerase proofreading-associated polyposis (PPAP) and POLE-related CMMRD-like syndrome. Based on the supporting evidence, this variant is expected to be causative of POLE deficiency when present along with a second pathogenic variant on the other allele; however, its clinical significance for PPAP and POLE-related CMMRD-like syndrome is unclear.